The following is an entry in ClinVar:

NM_012210.4(TRIM32):c.1009A>G (p.Arg337Gly)

Genes: ASTN2 (astrotactin 2; minus strand), TRIM32 (tripartite motif containing 32; plus strand). Cytogenetic location: 9q33.1.
Variant type: single nucleotide variant.
Coding change: c.1009A>G on transcript NM_012210.4 (MANE Select); coding-DNA position 1009, A replaced by G.
Protein change: p.Arg337Gly; replaces arginine 337 with glycine.
Molecular consequence: missense variant. On other transcripts: intron variant (3).
Genome position (GRCh38, 1-based): chr9:116,698,751, A>G. VCF-style: chr9-116698751-A-G. GRCh37 (hg19) VCF-style: chr9-119461030-A-G.
Other names: c.1009A>G, p.Arg337Gly (NM_001099679.2, NM_001379048.1, NM_001379049.1 and 1 more transcripts); c.2653+27020T>C (NM_014010.5); c.2794+27020T>C (NM_001365069.1); c.2806+27020T>C (NM_001365068.1); short protein forms R337G.
Identifiers: ClinVar variation 2720401 (VCV002720401.2), dbSNP rs749903497, ClinGen allele CA5211089.

ClinVar aggregate classification (germline): Uncertain significance. Review status: criteria provided, multiple submitters, no conflicts (2 of 4 stars). 2 submissions from 2 submitters: Uncertain significance (2). Last evaluated 2024-10-09.

Conditions:
TRIM32-related disorder. Also called: TRIM32-related condition.
Bardet-Biedl syndrome (BBS). Identifiers: Orphanet 110, MedGen C0752166, MONDO:0015229.

Allele frequency attached by ClinVar (database versions not stated): TOPMed below 0.00001; ExAC 0.00001; gnomAD 0.00001; gnomAD exomes 0.00001.
gnomAD v4.1: 13 of 1,614,062 alleles (0.00081%); highest among the groups gnomAD compares: Middle Eastern, 0.016%; no homozygotes.

Submissions (2):

PreventionGenetics, part of Exact Sciences
Classification: Uncertain significance for TRIM32-related condition. Last evaluated: 2024-10-09. Review status: criteria provided, single submitter. Criteria: ACMG Guidelines, 2015. Collection method: clinical testing. Allele origin: germline.
Comment: The TRIM32 c.1009A>G variant is predicted to result in the amino acid substitution p.Arg337Gly. To our knowledge, this variant has not been reported in the literature. This variant is reported in 0.00088% of alleles in individuals of European (Non-Finnish) descent in gnomAD. At this time, the clinical significance of this variant is uncertain due to the absence of conclusive functional and genetic evidence.

Labcorp Genetics (formerly Invitae), Labcorp
Classification: Uncertain significance for Bardet-Biedl syndrome. Last evaluated: 2023-12-18. Review status: criteria provided, single submitter. Criteria: Invitae Variant Classification Sherloc (09022015). Collection method: clinical testing. Allele origin: germline.
Comment: This sequence change replaces arginine, which is basic and polar, with glycine, which is neutral and non-polar, at codon 337 of the TRIM32 protein (p.Arg337Gly). This variant is present in population databases (rs749903497, gnomAD 0.003%). This variant has not been reported in the literature in individuals affected with TRIM32-related conditions. An algorithm developed to predict the effect of missense changes on protein structure and function (PolyPhen-2) suggests that this variant¬†is likely to be tolerated. In summary, the available evidence is currently insufficient to determine the role of this variant in disease. Therefore, it has been classified as a Variant of Uncertain Significance.